The following is an entry in ClinVar:

ClinVar aggregate classification (germline): Benign. Review status: criteria provided, multiple submitters, no conflicts (2 of 4 stars). 3 submissions from 3 submitters: Benign (3). Last evaluated 2024-01-24.

Allele frequency attached by ClinVar (database versions not stated): 1000 Genomes Project 0.56190; 1000 Genomes Project 30x 0.56230; gnomAD exomes 0.61701; gnomAD 0.63194 and 0.64189; TOPMed 0.63218.
gnomAD v4.1: 556,222 of 897,194 alleles (62%); highest among the groups gnomAD compares: Middle Eastern, 69%; 175,341 homozygotes.

Submissions (3):

Unidad de Genómica Garrahan, Hospital de Pediatría Garrahan
Classification: Benign. Last evaluated: 2024-01-24. Review status: criteria provided, single submitter. Criteria: ACMG Guidelines, 2015. Collection method: clinical testing. Allele origin: germline. Affected: no. Observed: 34 variant alleles.
Comment: This variant is classified as Benign based on local population frequency. This variant was detected in 36% of patients studied by a panel of primary immunodeficiencies. Number of patients: 34. Only high quality variants are reported.

GeneDx
Classification: Benign. Last evaluated: 2018-11-10. Review status: criteria provided, single submitter. Criteria: GeneDx Variant Classification Process June 2021. Collection method: clinical testing. Allele origin: germline. Affected: yes.

Breakthrough Genomics
Classification: Benign. Review status: criteria provided, single submitter. Criteria: ACMG Guidelines, 2015. Collection method: not provided. Allele origin: germline. Inheritance: Autosomal recessive inheritance. Affected: yes.

NM_000626.4(CD79B):c.*89T>C

Genes: CD79B (CD79b molecule; minus strand), GH-LCR (growth hormone locus control region; plus strand). Cytogenetic location: 17q23.3.
Variant type: single nucleotide variant.
Coding change: c.*89T>C on transcript NM_000626.4 (MANE Select); 89 bases downstream of the stop codon, T replaced by C.
Molecular consequence: 3 prime UTR variant.
Genome position (GRCh38, 1-based): chr17:63,929,137, A>G on the plus strand (T>C on the coding strand, the complement: CD79B is on the minus strand). VCF-style: chr17-63929137-A-G. GRCh37 (hg19) VCF-style: chr17-62006497-A-G.
Other names: c.*89T>C (NM_001039933.3, NM_001329050.2, NM_021602.4).
Identifiers: ClinVar variation 1287682 (VCV001287682.4), dbSNP rs1051684, ClinGen allele CA14383689.